The following is an entry in ClinVar:

NM_001035.3(RYR2):c.13978T>C (p.Phe4660Leu)

Gene: RYR2 (ryanodine receptor 2; plus strand). Cytogenetic location: 1q43.
Variant type: single nucleotide variant.
Coding change: c.13978T>C on transcript NM_001035.3 (MANE Select); coding-DNA position 13978, T replaced by C.
Protein change: p.Phe4660Leu; replaces phenylalanine 4660 with leucine.
Molecular consequence: missense variant.
Genome position (GRCh38, 1-based): chr1:237,798,058, T>C. VCF-style: chr1-237798058-T-C. GRCh37 (hg19) VCF-style: chr1-237961358-T-C.
Other names: short protein forms F4660L.
Identifiers: ClinVar variation 4757270 (VCV004757270.1).

ClinVar aggregate classification (germline): Uncertain significance (1 of 4 stars; one submission).

Conditions:
Cardiomyopathy (CMYO). Also called: Cardiomyopathies. Identifiers: Orphanet 167848, MedGen C0878544, MONDO:0004994, HP:0001638. Inheritance: Various modes of inheritance.

Submission:

Color Diagnostics, LLC DBA Color Health
Classification: Uncertain significance for Cardiomyopathy. Last evaluated: 2025-06-09. Review status: criteria provided, single submitter. Criteria: ACMG Guidelines, 2015. Collection method: clinical testing. Allele origin: germline.
Comment: This missense variant replaces phenylalanine with leucine at codon 4660 of the RYR2 protein. Computational prediction suggests that this variant may not impact protein structure and function. To our knowledge, functional studies have not been reported for this variant. This variant has not been reported in individuals affected with RYR2-related disorders in the literature. This variant has not been identified in the general population by the Genome Aggregation Database (gnomAD). The available evidence is insufficient to determine the role of this variant in disease conclusively. Therefore, this variant is classified as a Variant of Uncertain Significance.